The following is an entry in ClinVar:

ClinVar aggregate classification (germline): Benign. Review status: criteria provided, multiple submitters, no conflicts (2 of 4 stars). 3 submissions from 3 submitters: Benign (3). Last evaluated 2021-06-09.

Conditions:
Platelet-type bleeding disorder 10. Also called: CD36 DEFICIENCY. Identifiers: MedGen C1842090, MONDO:0012031, OMIM 608404.

Allele frequency attached by ClinVar (database versions not stated): gnomAD exomes 0.09764 and 0.14273; ESP Exome Variant Server 0.11387; gnomAD 0.12793 and 0.13541; TOPMed 0.13874; ExAC 0.14382; 1000 Genomes Project 30x 0.23720; 1000 Genomes Project 0.24341.
gnomAD v4.1: 164,384 of 1,612,296 alleles (10%); highest among the groups gnomAD compares: East Asian, 42%; 13,527 homozygotes.

Submissions (3):

GeneDx
Classification: Benign. Last evaluated: 2021-06-09. Review status: criteria provided, single submitter. Criteria: GeneDx Variant Classification Process June 2021. Collection method: clinical testing. Allele origin: germline. Affected: yes.

Illumina Laboratory Services, Illumina
Classification: Benign for Platelet-type bleeding disorder 10. Last evaluated: 2018-01-13. Review status: criteria provided, single submitter. Criteria: ICSL Variant Classification Criteria 13 December 2019. Collection method: clinical testing. Allele origin: germline.
Comment: This variant was observed in the ICSL laboratory as part of a predisposition screen in an ostensibly healthy population. It had not been previously curated by ICSL or reported in the Human Gene Mutation Database (HGMD: prior to June 1st, 2018), and was therefore a candidate for classification through an automated scoring system. Utilizing variant allele frequency, disease prevalence and penetrance estimates, and inheritance mode, an automated score was calculated to assess if this variant is too frequent to cause the disease. Based on the score and internal cut-off values, a variant classified as benign is not then subjected to further curation. The score for this variant resulted in a classification of benign for this disease.

Breakthrough Genomics
Classification: Benign. Review status: criteria provided, single submitter. Criteria: ACMG Guidelines, 2015. Collection method: not provided. Allele origin: germline. Inheritance: Autosomal recessive inheritance. Affected: yes.

NM_001001548.3(CD36):c.121-6T>C

Gene: CD36 (CD36 molecule (CD36 blood group); plus strand). Cytogenetic location: 7q21.11.
Variant type: single nucleotide variant.
Coding change: c.121-6T>C on transcript NM_001001548.3 (MANE Select); 6 bases into the intron before coding-DNA position 121, T replaced by C.
Molecular consequence: intron variant.
Genome position (GRCh38, 1-based): chr7:80,656,534, T>C. VCF-style: chr7-80656534-T-C. GRCh37 (hg19) VCF-style: chr7-80285850-T-C.
Other names: c.121-6T>C (NM_001371075.1, NM_001001547.3, NM_001371074.1 and 7 more transcripts); c.-362-6T>C (NM_001371081.1); c.-108-6T>C (NM_001289911.2); c.-184-4529T>C (NM_001371080.1); c.121-108T>C (NM_001371079.1).
Identifiers: ClinVar variation 360750 (VCV000360750.9), dbSNP rs3173798, ClinGen allele CA4315017.
Genomic context (GRCh38, chr7:80,656,534, plus strand): 5'-ACAATCTTCCAGAAGTGCCTGTACTTACTACAAAGACATAACCCAAACTTATTTTCTTTT[T>C]CATAGCAAGTTGTCCTCGAAGAAGGTACAATTGCTTTTAAAAATTGGGTTAAAACAGGCA-3'